The following is an entry in ClinVar:

NM_001126108.2(SLC12A3):c.2419+8G>A

Gene: SLC12A3 (solute carrier family 12 member 3; plus strand). Cytogenetic location: 16q13.
Variant type: single nucleotide variant.
Coding change: c.2419+8G>A on transcript NM_001126108.2 (MANE Select); 8 bases into the intron after coding-DNA position 2419, G replaced by A.
Molecular consequence: intron variant. On other transcripts: synonymous variant (2).
Genome position (GRCh38, 1-based): chr16:56,892,141, G>A. VCF-style: chr16-56892141-G-A. GRCh37 (hg19) VCF-style: chr16-56926053-G-A.
Other names: c.2427G>A, p.Arg809= (NM_000339.3); c.2424G>A, p.Arg808= (NM_001126107.2); c.2427G>A (NM_000339.2).
Identifiers: ClinVar variation 1106508 (VCV001106508.13), dbSNP rs372318235, ClinGen allele CA281512413.

ClinVar aggregate classification (germline): Likely benign. Review status: criteria provided, multiple submitters, no conflicts (2 of 4 stars). 4 submissions from 4 submitters: Likely benign (3). 1 of the submissions does not count toward it. Last evaluated 2024-02-12.

Conditions:
SLC12A3-related disorder. Also called: SLC12A3-related condition.
Familial hypokalemia-hypomagnesemia (GTLMNS). Also called: gitelman syndrome; HYPOMAGNESEMIA-HYPOKALEMIA, PRIMARY RENOTUBULAR, WITH HYPOCALCIURIA; POTASSIUM AND MAGNESIUM DEPLETION. Identifiers: Orphanet 358, MedGen C0268450, MONDO:0009904, OMIM 263800.

Allele frequency attached by ClinVar (database versions not stated): gnomAD exomes below 0.00001; gnomAD 0.00002; TOPMed 0.00002; ESP Exome Variant Server 0.00008.

Submissions (4):

Labcorp Genetics (formerly Invitae), Labcorp
Classification: Likely benign. Last evaluated: 2024-02-12. Review status: criteria provided, single submitter. Criteria: Invitae Variant Classification Sherloc (09022015). Collection method: clinical testing. Allele origin: germline.

Blueprint Genetics
Classification: Likely benign. Last evaluated: 2023-05-08. Review status: criteria provided, single submitter. Criteria: ACMG Guidelines, 2015. Collection method: clinical testing. Allele origin: germline.

Fulgent Genetics
Classification: Likely benign for Familial hypokalemia-hypomagnesemia. Last evaluated: 2022-04-22. Review status: criteria provided, single submitter. Criteria: ACMG Guidelines, 2015. Collection method: clinical testing. Allele origin: unknown.

PreventionGenetics, part of Exact Sciences
Classification: Likely benign for SLC12A3-related condition. Last evaluated: 2019-06-26. Review status: no assertion criteria provided. Collection method: clinical testing. Allele origin: germline. Not counted in ClinVar's aggregate classification.
Comment: This variant is classified as likely benign based on ACMG/AMP sequence variant interpretation guidelines (Richards et al. 2015 PMID: 25741868, with internal and published modifications).